The following is an entry in ClinVar:

NM_002519.3(NPAT):c.2045G>A (p.Cys682Tyr)

Gene: NPAT (nuclear protein, coactivator of histone transcription; minus strand). Cytogenetic location: 11q22.3.
Variant type: single nucleotide variant.
Coding change: c.2045G>A on transcript NM_002519.3 (MANE Select); coding-DNA position 2045, G replaced by A.
Protein change: p.Cys682Tyr; replaces cysteine 682 with tyrosine.
Molecular consequence: missense variant.
Genome position (GRCh38, 1-based): chr11:108,172,939, C>T on the plus strand (G>A on the coding strand, the complement: NPAT is on the minus strand). VCF-style: chr11-108172939-C-T. GRCh37 (hg19) VCF-style: chr11-108043666-C-T.
Other names: c.2045G>A, p.Cys682Tyr (NM_001321307.1); short protein forms C682Y.
Identifiers: ClinVar variation 3696433 (VCV003696433.2).
Genomic context (GRCh38, chr11:108,172,939, plus strand): 5'-GGAAGAGAGTGACTGTTTTCTACAGGAGTGCCTTCTGGAGGCGTCAGTGCAACTTTCTCA[C>T]AGTTAGCATTTCCACCTAAAGAGAGAAAAATAGTATTCTCTTCTTTTACAGAAGATGAAG-3'
Protein context (NP_002510.2, residues 672-692): IFLSLGGNAN[Cys682Tyr]EKVALTPPEG

ClinVar aggregate classification (germline): Uncertain significance (1 of 4 stars; one submission).

gnomAD v4.1: 4 of 1,614,140 alleles (0.00025%); highest among the groups gnomAD compares: African/African-American, 0.0013%; no homozygotes.

Submission:

Labcorp Genetics (formerly Invitae), Labcorp
Classification: Uncertain significance. Last evaluated: 2024-08-15. Review status: criteria provided, single submitter. Criteria: Invitae Variant Classification Sherloc (09022015). Collection method: clinical testing. Allele origin: germline.
Comment: This sequence change replaces cysteine, which is neutral and slightly polar, with tyrosine, which is neutral and polar, at codon 682 of the NPAT protein (p.Cys682Tyr). This variant is present in population databases (no rsID available, gnomAD 0.007%). This variant has not been reported in the literature in individuals affected with NPAT-related conditions. An algorithm developed to predict the effect of missense changes on protein structure and function (PolyPhen-2) suggests that this variant is likely to be disruptive. In summary, the available evidence is currently insufficient to determine the role of this variant in disease. Therefore, it has been classified as a Variant of Uncertain Significance.